The following is an entry in ClinVar:

ClinVar aggregate classification (germline): Uncertain significance (1 of 4 stars; one submission).

Allele frequency attached by ClinVar (database versions not stated): gnomAD exomes below 0.00001.

Submission:

Ambry Genetics
Classification: Uncertain significance. Last evaluated: 2023-11-23. Review status: criteria provided, single submitter. Criteria: Ambry Variant Classification Scheme 2023. Collection method: clinical testing. Allele origin: germline.
Comment: The p.M29T variant (also known as c.86T>C), located in coding exon 1 of the TERF2IP gene, results from a T to C substitution at nucleotide position 86. The methionine at codon 29 is replaced by threonine, an amino acid with similar properties. This amino acid position is conserved. In addition, this alteration is predicted to be tolerated by in silico analysis. Since supporting evidence is limited at this time, the clinical significance of this alteration remains unclear.

NM_018975.4(TERF2IP):c.86T>C (p.Met29Thr)

Gene: TERF2IP (TERF2 interacting protein; plus strand). Cytogenetic location: 16q23.1.
Variant type: single nucleotide variant.
Coding change: c.86T>C on transcript NM_018975.4 (MANE Select); coding-DNA position 86, T replaced by C.
Protein change: p.Met29Thr; replaces methionine 29 with threonine.
Molecular consequence: missense variant. On other transcripts: non-coding transcript variant (1).
Genome position (GRCh38, 1-based): chr16:75,647,968, T>C. VCF-style: chr16-75647968-T-C. GRCh37 (hg19) VCF-style: chr16-75681866-T-C.
Other names: short protein forms M29T.
Identifiers: ClinVar variation 3227208 (VCV003227208.1), dbSNP rs2507072400, ClinGen allele CA396817197.
Genomic context (GRCh38, chr16:75,647,968, plus strand): 5'-AAGACCCCAACGGGCCCACCCATTCCTCGACTCTGTTCGTGAGGGACGACGGCAGCTCCA[T>C]GTCCTTCTACGTGCGGCCCAGCCCGGCCAAGCGTCGGCTGTCGACGCTCATCCTGCACGG-3'
Protein context (NP_061848.2, residues 19-39): TLFVRDDGSS[Met29Thr]SFYVRPSPAK